The following is an entry in ClinVar:

ClinVar aggregate classification (germline): Uncertain significance (1 of 4 stars; one submission).

gnomAD v4.1: 33 of 1,571,604 alleles (0.0021%); highest among the groups gnomAD compares: South Asian, 0.02%; 1 homozygote.

Submission:

Labcorp Genetics (formerly Invitae), Labcorp
Classification: Uncertain significance. Last evaluated: 2021-10-14. Review status: criteria provided, single submitter. Criteria: Invitae Variant Classification Sherloc (09022015). Collection method: clinical testing. Allele origin: germline.
Comment: This sequence change replaces glycine with serine at codon 445 of the PEPD protein (p.Gly445Ser). The glycine residue is moderately conserved and there is a small physicochemical difference between glycine and serine. This variant is present in population databases (rs368651528, ExAC 0.01%). This variant has not been reported in the literature in individuals affected with PEPD-related conditions. Algorithms developed to predict the effect of missense changes on protein structure and function output the following: SIFT: "Tolerated"; PolyPhen-2: "Benign"; Align-GVGD: "Class C0". The serine amino acid residue is found in multiple mammalian species, which suggests that this missense change does not adversely affect protein function. Algorithms developed to predict the effect of sequence changes on RNA splicing suggest that this variant may create or strengthen a splice site. In summary, the available evidence is currently insufficient to determine the role of this variant in disease. Therefore, it has been classified as a Variant of Uncertain Significance.

NM_000285.4(PEPD):c.1333G>A (p.Gly445Ser)

Gene: PEPD (peptidase D; minus strand). Cytogenetic location: 19q13.11.
Variant type: single nucleotide variant.
Coding change: c.1333G>A on transcript NM_000285.4 (MANE Select); coding-DNA position 1333, G replaced by A.
Protein change: p.Gly445Ser; replaces glycine 445 with serine.
Molecular consequence: missense variant.
Genome position (GRCh38, 1-based): chr19:33,387,901, C>T on the plus strand (G>A on the coding strand, the complement: PEPD is on the minus strand). VCF-style: chr19-33387901-C-T. GRCh37 (hg19) VCF-style: chr19-33878807-C-T.
Other names: c.1210G>A, p.Gly404Ser (NM_001166056.2); c.1141G>A, p.Gly381Ser (NM_001166057.2); short protein forms G404S, G381S, G445S.
Identifiers: ClinVar variation 1427640 (VCV001427640.3), dbSNP rs368651528, ClinGen allele CA9363919.
Genomic context (GRCh38, chr19:33,387,901, plus strand): 5'-GGAGGTGGCAGATGTTCTGGGAGCAAGAATGGGGCCCGTGGGCACTCACCCCGCCAAAAC[C>T]GCGAAAGCGCTGCAGGACCTCGCGGTTAAGGAAGGAGGCGCGGGCCGGGTCCGCCAGGGC-3'
Protein context (NP_000276.2, residues 435-455): LNREVLQRFR[Gly445Ser]FGGVRIEEDV